The following is an entry in ClinVar:

NM_004385.5(VCAN):c.8117T>C (p.Ile2706Thr)

Genes: VCAN (versican; plus strand), VCAN-AS1 (VCAN antisense RNA 1; minus strand). Cytogenetic location: 5q14.3.
Variant type: single nucleotide variant.
Coding change: c.8117T>C on transcript NM_004385.5 (MANE Select); coding-DNA position 8117, T replaced by C.
Protein change: p.Ile2706Thr; replaces isoleucine 2706 with threonine.
Molecular consequence: missense variant. On other transcripts: intron variant (2).
Genome position (GRCh38, 1-based): chr5:83,541,120, T>C. VCF-style: chr5-83541120-T-C. GRCh37 (hg19) VCF-style: chr5-82836939-T-C.
Other names: c.5156T>C, p.Ile1719Thr (NM_001164097.2); c.4004-4417T>C (NM_001164098.2); c.1043-4417T>C (NM_001126336.3); short protein forms I2706T, I1719T.
Identifiers: ClinVar variation 1973662 (VCV001973662.5), dbSNP rs537180501, ClinGen allele CA121811606.

ClinVar aggregate classification (germline): Uncertain significance (1 of 4 stars; one submission).

Allele frequency attached by ClinVar (database versions not stated): gnomAD exomes below 0.00001; gnomAD 0.00001; TOPMed 0.00001.
gnomAD v4.1: 3 of 1,613,994 alleles (0.00019%); highest among the groups gnomAD compares: Admixed American, 0.0017%; no homozygotes.

Submission:

Labcorp Genetics (formerly Invitae), Labcorp
Classification: Uncertain significance. Last evaluated: 2025-01-06. Review status: criteria provided, single submitter. Criteria: Invitae Variant Classification Sherloc (09022015). Collection method: clinical testing. Allele origin: germline.
Comment: This sequence change replaces isoleucine, which is neutral and non-polar, with threonine, which is neutral and polar, at codon 2706 of the VCAN protein (p.Ile2706Thr). This variant is not present in population databases (gnomAD no frequency). This variant has not been reported in the literature in individuals affected with VCAN-related conditions. ClinVar contains an entry for this variant (Variation ID: 1973662). An algorithm developed to predict the effect of missense changes on protein structure and function outputs the following: PolyPhen-2: "Benign". The threonine amino acid residue is found in multiple mammalian species, which suggests that this missense change does not adversely affect protein function. In summary, the available evidence is currently insufficient to determine the role of this variant in disease. Therefore, it has been classified as a Variant of Uncertain Significance.